The following is an entry in ClinVar:

NM_015465.5(GEMIN5):c.1718C>G (p.Thr573Ser)

Gene: GEMIN5 (gem nuclear organelle associated protein 5; minus strand). Cytogenetic location: 5q33.2.
Variant type: single nucleotide variant.
Coding change: c.1718C>G on transcript NM_015465.5 (MANE Select); coding-DNA position 1718, C replaced by G.
Protein change: p.Thr573Ser; replaces threonine 573 with serine.
Molecular consequence: missense variant.
Genome position (GRCh38, 1-based): chr5:154,917,135, G>C on the plus strand (C>G on the coding strand, the complement: GEMIN5 is on the minus strand). VCF-style: chr5-154917135-G-C. GRCh37 (hg19) VCF-style: chr5-154296695-G-C.
Other names: c.1715C>G, p.Thr572Ser (NM_001252156.2); short protein forms T572S, T573S.
Identifiers: ClinVar variation 3372564 (VCV003372564.1).

ClinVar aggregate classification (germline): Uncertain significance (1 of 4 stars; one submission).

Submission:

GeneDx
Classification: Uncertain significance. Last evaluated: 2024-04-21. Review status: criteria provided, single submitter. Criteria: GeneDx Variant Classification Process June 2021. Collection method: clinical testing. Allele origin: germline. Affected: yes.
Comment: Not observed at significant frequency in large population cohorts (gnomAD); In silico analysis indicates that this missense variant does not alter protein structure/function; In silico analysis is inconclusive as to whether the variant alters gene splicing. In the absence of RNA/functional studies, the actual effect of this sequence change is unknown; Has not been previously published as pathogenic or benign to our knowledge